The following is an entry in ClinVar:

NM_194248.3(OTOF):c.1036_1039del (p.Pro348fs)

Gene: OTOF (otoferlin; minus strand). Cytogenetic location: 2p23.3.
Variant type: Deletion.
Coding change: c.1036_1039del on transcript NM_194248.3 (MANE Select); coding-DNA positions 1036 to 1039, 4 bases deleted (TCGC; older notation c.1036_1039delTCGC).
Protein change: p.Pro348fs; shifts the reading frame from proline 348.
Molecular consequence: frameshift variant.
Genome position (GRCh38, 1-based): chr2:26,489,217-26,489,220, GCGA deleted on the plus strand (TCGC on the coding strand, the reverse complement: OTOF is on the minus strand); deleting any 4 consecutive bases within chr2:26,489,217-26,489,221 gives the same sequence; the c. name uses the placement nearest the transcript's 3' end. VCF-style (leftmost placement, unchanged base first): chr2-26489216-TGCGA-T. GRCh37 (hg19) VCF-style: chr2-26712084-TGCGA-T.
Other names: c.1036_1039del, p.Pro348fs (NM_001287489.2); short protein forms P348fs.
Identifiers: ClinVar variation 3601519 (VCV003601519.1).

ClinVar aggregate classification (germline): Pathogenic (1 of 4 stars; one submission).

Conditions:
Autosomal recessive nonsyndromic hearing loss 9. Also called: NEUROSENSORY NONSYNDROMIC RECESSIVE DEAFNESS 9; OTOF-Related Hearing Loss; Deafness, autosomal recessive 9; AUDITORY NEUROPATHY, AUTOSOMAL RECESSIVE, 1, TEMPERATURE-SENSITIVE. Identifiers: Orphanet 90636, MedGen C1832828, MONDO:0010986, OMIM 601071.

Submission:

Institute of Rare Diseases, West China Hospital, Sichuan University
Classification: Pathogenic for Autosomal recessive nonsyndromic hearing loss 9. Last evaluated: 2025-01-09. Review status: criteria provided, single submitter. Criteria: ClinGen HL ACMG Specifications v1. Collection method: research. Allele origin: germline. Affected: yes.
Comment: PVS1;PM3;PM2_Supporting